The following is an entry in ClinVar:

ClinVar aggregate classification (germline): Pathogenic (1 of 4 stars; one submission).

Conditions:
Syndromic multisystem autoimmune disease due to ITCH deficiency. Also called: AUTOIMMUNE DISEASE, MULTISYSTEM, WITH FACIAL DYSMORPHISM. Identifiers: Orphanet 228426, MedGen C3150649, MONDO:0013245, OMIM 613385.

Allele frequency attached by ClinVar (database versions not stated): gnomAD exomes below 0.00001.
gnomAD v4.1: 5 of 1,613,406 alleles (0.00031%); highest among the groups gnomAD compares: Admixed American, 0.0017%; no homozygotes.

Submission:

Labcorp Genetics (formerly Invitae), Labcorp
Classification: Pathogenic for Syndromic multisystem autoimmune disease due to ITCH deficiency. Last evaluated: 2021-03-24. Review status: criteria provided, single submitter. Criteria: Invitae Variant Classification Sherloc (09022015). Collection method: clinical testing. Allele origin: germline.
Comment: This variant has not been reported in the literature in individuals with ITCH-related conditions. This variant is not present in population databases (ExAC no frequency). This sequence change creates a premature translational stop signal (p.Arg707*) in the ITCH gene. It is expected to result in an absent or disrupted protein product. Loss-of-function variants in ITCH are known to be pathogenic (PMID: 20170897). For these reasons, this variant has been classified as Pathogenic.

Literature cited by the submitters: PubMed 20170897.

NM_031483.7(ITCH):c.2119C>T (p.Arg707Ter)

Gene: ITCH (itchy E3 ubiquitin protein ligase; plus strand). Cytogenetic location: 20q11.22.
Variant type: single nucleotide variant.
Coding change: c.2119C>T on transcript NM_031483.7 (MANE Select); coding-DNA position 2119, C replaced by T.
Protein change: p.Arg707Ter; replaces arginine 707 with a stop codon.
Molecular consequence: nonsense.
Genome position (GRCh38, 1-based): chr20:34,489,291, C>T. VCF-style: chr20-34489291-C-T. GRCh37 (hg19) VCF-style: chr20-33077096-C-T.
Other names: c.2242C>T, p.Arg748Ter (NM_001257137.3, NM_001324197.2); c.1789C>T, p.Arg597Ter (NM_001257138.3); c.2119C>T, p.Arg707Ter (NM_001324198.2); short protein forms R597*, R748*, R707*.
Identifiers: ClinVar variation 1456938 (VCV001456938.6), dbSNP rs2146507793, ClinGen allele CA408672152.